The following is an entry in ClinVar:

ClinVar aggregate classification (germline): Pathogenic/Likely pathogenic. Review status: criteria provided, multiple submitters, no conflicts (2 of 4 stars). 2 submissions from 2 submitters: Pathogenic (1); Likely pathogenic (1). Last evaluated 2024-01-18.

Conditions:
ABCA4-related disorder. Also called: ABCA4-related disorders; ABCA4-related condition. Identifiers: MedGen CN239167.

Allele frequency attached by ClinVar (database versions not stated): gnomAD exomes below 0.00001.

Submissions (2):

Blueprint Genetics
Classification: Likely pathogenic for ABCA4-related disorders. Last evaluated: 2024-01-18. Review status: criteria provided, single submitter. Criteria: ACMG Guidelines, 2015. Collection method: clinical testing. Allele origin: germline. Affected: yes. Observed: 2 variant alleles.

Labcorp Genetics (formerly Invitae), Labcorp
Classification: Pathogenic. Last evaluated: 2022-10-13. Review status: criteria provided, single submitter. Criteria: Invitae Variant Classification Sherloc (09022015). Collection method: clinical testing. Allele origin: germline.
Comment: This variant is not present in population databases (gnomAD no frequency). This sequence change creates a premature translational stop signal (p.Gln110*) in the ABCA4 gene. It is expected to result in an absent or disrupted protein product. Loss-of-function variants in ABCA4 are known to be pathogenic (PMID: 10958761, 24938718, 25312043, 26780318). This variant has not been reported in the literature in individuals affected with ABCA4-related conditions. ClinVar contains an entry for this variant (Variation ID: 1452642). For these reasons, this variant has been classified as Pathogenic.

Literature cited by the submitters: PubMed 10958761 (cited by Labcorp Genetics (formerly Invitae), Labcorp); PubMed 24938718 (cited by Labcorp Genetics (formerly Invitae), Labcorp); PubMed 25312043 (cited by Labcorp Genetics (formerly Invitae), Labcorp); PubMed 26780318 (cited by Labcorp Genetics (formerly Invitae), Labcorp).

NM_000350.3(ABCA4):c.328C>T (p.Gln110Ter)

Gene: ABCA4 (ATP binding cassette subfamily A member 4; minus strand). Cytogenetic location: 1p22.1.
Variant type: single nucleotide variant.
Coding change: c.328C>T on transcript NM_000350.3 (MANE Select); coding-DNA position 328, C replaced by T.
Protein change: p.Gln110Ter; replaces glutamine 110 with a stop codon.
Molecular consequence: nonsense.
Genome position (GRCh38, 1-based): chr1:94,108,691, G>A on the plus strand (C>T on the coding strand, the complement: ABCA4 is on the minus strand). VCF-style: chr1-94108691-G-A. GRCh37 (hg19) VCF-style: chr1-94574247-G-A.
Other names: c.328C>T, p.Gln110Ter (NM_001425324.1); short protein forms Q110*.
Identifiers: ClinVar variation 1452642 (VCV001452642.7), dbSNP rs2101156053, ClinGen allele CA341293200.
Genomic context (GRCh38, chr1:94,108,691, plus strand): 5'-GTAGCTCTGTCCAAATACGGCCAAGGTGCTGGCTCTCTGGTGCATTCATGAGGAGTTCTT[G>A]AAAATCTCGATATACCCTTGCCAAGCTGTAAGGACAAAGCCTCATTAATAAGGAAATAGC-3'